The following is an entry in ClinVar:

NM_015346.4(ZFYVE26):c.3946G>C (p.Ala1316Pro)

Gene: ZFYVE26 (zinc finger FYVE-type containing 26; minus strand). Cytogenetic location: 14q24.1.
Variant type: single nucleotide variant.
Coding change: c.3946G>C on transcript NM_015346.4 (MANE Select); coding-DNA position 3946, G replaced by C.
Protein change: p.Ala1316Pro; replaces alanine 1316 with proline.
Molecular consequence: missense variant.
Genome position (GRCh38, 1-based): chr14:67,783,206, C>G on the plus strand (G>C on the coding strand, the complement: ZFYVE26 is on the minus strand). VCF-style: chr14-67783206-C-G. GRCh37 (hg19) VCF-style: chr14-68249923-C-G.
Other names: short protein forms A1316P.
Identifiers: ClinVar variation 1351104 (VCV001351104.8), dbSNP rs2140223389, ClinGen allele CA390171159.

ClinVar aggregate classification (germline): Uncertain significance (1 of 4 stars; one submission).

Conditions:
Spastic paraplegia. Identifiers: MedGen C0037772, HP:0001258.

Submission:

Labcorp Genetics (formerly Invitae), Labcorp
Classification: Uncertain significance for Spastic paraplegia. Last evaluated: 2020-11-25. Review status: criteria provided, single submitter. Criteria: Invitae Variant Classification Sherloc (09022015). Collection method: clinical testing. Allele origin: germline.
Comment: This variant is not present in population databases (ExAC no frequency). This sequence change replaces alanine with proline at codon 1316 of the ZFYVE26 protein (p.Ala1316Pro). The alanine residue is highly conserved and there is a small physicochemical difference between alanine and proline. This variant has not been reported in the literature in individuals with ZFYVE26-related conditions. Algorithms developed to predict the effect of missense changes on protein structure and function are either unavailable or do not agree on the potential impact of this missense change (SIFT: "Deleterious"; PolyPhen-2: "Probably Damaging"; Align-GVGD: "Class C0"). In summary, the available evidence is currently insufficient to determine the role of this variant in disease. Therefore, it has been classified as a Variant of Uncertain Significance.